The following is an entry in ClinVar:

NC_000023.10:g.(?_30322322)_(30327508_?)dup

Gene: NR0B1 (nuclear receptor subfamily 0 group B member 1; minus strand). Cytogenetic location: Xp21.2.
Variant type: Duplication.
Identifiers: ClinVar variation 4536086 (VCV004536086.1).

ClinVar aggregate classification (germline): Uncertain significance (1 of 4 stars; one submission).

Submission:

Women's Health and Genetics/Laboratory Corporation of America, LabCorp
Classification: Uncertain significance. Last evaluated: 2025-09-22. Review status: criteria provided, single submitter. Criteria: LabCorp Variant Classification Summary - May 2015. Collection method: clinical testing. Allele origin: germline.
Comment: Variant summary: The variant involves the duplication of exons 1-2 in the NR0B1 gene. A presumed nomenclature of c.(?_-28)_(*374_?)dup has been designated for the purposes of this classification. This duplication includes the entire coding sequence of the gene. As exact breakpoints are unknown, it may extend beyond the annotated region of the gene, to include other flanking genes. The variant was absent in 15699 control chromosomes. The available data on variant occurrences in the general population are insufficient to allow any conclusion about variant significance. A similar CNV has been observed in individual(s) affected with tumor abdominal mass with histopathological findings of teratoma and gonadoblastoma associated to 46,XY male-to-female sex reversal syndrome (Garcia-Acero_2019), without strong evidence for causality. These report(s) do not provide unequivocal conclusions about association of the variant with NR0B1-related conditions. Duplications of the NR0B1 gene (usually including other genes) have been associated with 46,XY gonadal dysgenesis and sex reversal (PMID: 30879272, 17504899). To our knowledge, no experimental evidence demonstrating an impact on protein function has been reported. ClinVar contains an entry for this variant (Variation ID: 831352). Based on the evidence outlined above, the variant was classified as uncertain significance.

Literature cited by the submitters: PubMed 35729303; PubMed 27340555; PubMed 17504899; PubMed 30879272.